The following is an entry in ClinVar:

ClinVar aggregate classification (germline): Uncertain significance (1 of 4 stars; one submission).

Submission:

GeneDx
Classification: Uncertain significance. Last evaluated: 2023-05-11. Review status: criteria provided, single submitter. Criteria: GeneDx Variant Classification Process June 2021. Collection method: clinical testing. Allele origin: germline. Affected: yes.
Comment: Not observed at significant frequency in large population cohorts (gnomAD); In silico analysis supports that this missense variant has a deleterious effect on protein structure/function; Has not been previously published as pathogenic or benign to our knowledge

NM_005909.5(MAP1B):c.908G>T (p.Arg303Leu)

Gene: MAP1B (microtubule associated protein 1B; plus strand). Cytogenetic location: 5q13.2.
Variant type: single nucleotide variant.
Coding change: c.908G>T on transcript NM_005909.5 (MANE Select); coding-DNA position 908, G replaced by T.
Protein change: p.Arg303Leu; replaces arginine 303 with leucine.
Molecular consequence: missense variant.
Genome position (GRCh38, 1-based): chr5:72,194,263, G>T. VCF-style: chr5-72194263-G-T. GRCh37 (hg19) VCF-style: chr5-71490090-G-T.
Other names: c.530G>T, p.Arg177Leu (NM_001324255.2); short protein forms R177L, R303L.
Identifiers: ClinVar variation 3343460 (VCV003343460.1).
Genomic context (GRCh38, chr5:72,194,263, plus strand): 5'-TCATCAATGGCGGATCAGAGAGAAAATCCTGCTTCTGGAAGCTCATCCGACACTTAGACC[G>T]AGTGGACTCCATCCTGCTCACCCACATTGGGGATGACAATTTGCCTGGAATAAACAGCAT-3'
Protein context (NP_005900.2, residues 293-313): CFWKLIRHLD[Arg303Leu]VDSILLTHIG